The following is an entry in ClinVar:

ClinVar aggregate classification (germline): Uncertain significance (1 of 4 stars; one submission).

Conditions:
Immunodeficiency 104. Also called: Severe combined immunodeficiency, autosomal recessive, T cell-negative, B cell-positive, NK cell-positive; SCID, AUTOSOMAL RECESSIVE, T CELL-NEGATIVE, B CELL-POSITIVE, NK CELL-POSITIVE; IMMUNODEFICIENCY 104, SEVERE COMBINED; Severe Combined Immune Deficiency, Autosomal Recessive, TCell -Negative, B Cell-Positive, NK Cell-Positive, IL7R-Related. Identifiers: MedGen C5676890, MONDO:0012163, OMIM 608971.

Submission:

Labcorp Genetics (formerly Invitae), Labcorp
Classification: Uncertain significance for Immunodeficiency 104. Last evaluated: 2022-06-05. Review status: criteria provided, single submitter. Criteria: Invitae Variant Classification Sherloc (09022015). Collection method: clinical testing. Allele origin: germline.
Comment: This variant is not present in population databases (gnomAD no frequency). This sequence change replaces histidine, which is basic and polar, with tyrosine, which is neutral and polar, at codon 1066 of the PTPRC protein (p.His1066Tyr). This variant has not been reported in the literature in individuals affected with PTPRC-related conditions. Algorithms developed to predict the effect of missense changes on protein structure and function are either unavailable or do not agree on the potential impact of this missense change (SIFT: "Tolerated"; PolyPhen-2: "Possibly Damaging"; Align-GVGD: "Class C0"). In summary, the available evidence is currently insufficient to determine the role of this variant in disease. Therefore, it has been classified as a Variant of Uncertain Significance.

NM_002838.5(PTPRC):c.3196C>T (p.His1066Tyr)

Gene: PTPRC (protein tyrosine phosphatase receptor type C; plus strand). Cytogenetic location: 1q32.1.
Variant type: single nucleotide variant.
Coding change: c.3196C>T on transcript NM_002838.5 (MANE Select); coding-DNA position 3196, C replaced by T.
Protein change: p.His1066Tyr; replaces histidine 1066 with tyrosine.
Molecular consequence: missense variant.
Genome position (GRCh38, 1-based): chr1:198,750,615, C>T. VCF-style: chr1-198750615-C-T. GRCh37 (hg19) VCF-style: chr1-198719744-C-T.
Other names: c.2713C>T, p.His905Tyr (NM_080921.4); short protein forms H1066Y, H905Y.
Identifiers: ClinVar variation 2000429 (VCV002000429.4), dbSNP rs2528037718, ClinGen allele CA344054174.